The following is an entry in ClinVar:

ClinVar aggregate classification (germline): Uncertain significance (1 of 4 stars; one submission).

Allele frequency attached by ClinVar (database versions not stated): ESP Exome Variant Server 0.00008; 1000 Genomes Project 0.00020; 1000 Genomes Project 30x 0.00031.
gnomAD v4.1: 19 of 1,614,080 alleles (0.0012%); highest among the groups gnomAD compares: Non-Finnish European, 0.0016%; no homozygotes.

Submission:

Labcorp Genetics (formerly Invitae), Labcorp
Classification: Uncertain significance. Last evaluated: 2023-11-13. Review status: criteria provided, single submitter. Criteria: Invitae Variant Classification Sherloc (09022015). Collection method: clinical testing. Allele origin: germline.
Comment: This sequence change replaces alanine, which is neutral and non-polar, with glycine, which is neutral and non-polar, at codon 37 of the PLA2G5 protein (p.Ala37Gly). This variant is present in population databases (rs142480941, gnomAD 0.003%). This variant has not been reported in the literature in individuals affected with PLA2G5-related conditions. ClinVar contains an entry for this variant (Variation ID: 1518055). An algorithm developed to predict the effect of missense changes on protein structure and function (PolyPhen-2) suggests that this variant is likely to be disruptive. In summary, the available evidence is currently insufficient to determine the role of this variant in disease. Therefore, it has been classified as a Variant of Uncertain Significance.

NM_000929.3(PLA2G5):c.110C>G (p.Ala37Gly)

Gene: PLA2G5 (phospholipase A2 group V; plus strand). Cytogenetic location: 1p36.13.
Variant type: single nucleotide variant.
Coding change: c.110C>G on transcript NM_000929.3 (MANE Select); coding-DNA position 110, C replaced by G.
Protein change: p.Ala37Gly; replaces alanine 37 with glycine.
Molecular consequence: missense variant.
Genome position (GRCh38, 1-based): chr1:20,086,152, C>G. VCF-style: chr1-20086152-C-G. GRCh37 (hg19) VCF-style: chr1-20412645-C-G.
Other names: short protein forms A37G.
Identifiers: ClinVar variation 1518055 (VCV001518055.8), dbSNP rs142480941, ClinGen allele CA658174.